The following is an entry in ClinVar:

NM_000431.4(MVK):c.805G>A (p.Asp269Asn)

Gene: MVK (mevalonate kinase; plus strand). Cytogenetic location: 12q24.11.
Variant type: single nucleotide variant.
Coding change: c.805G>A on transcript NM_000431.4 (MANE Select); coding-DNA position 805, G replaced by A.
Protein change: p.Asp269Asn; replaces aspartic acid 269 with asparagine.
Molecular consequence: missense variant. On other transcripts: non-coding transcript variant (4).
Genome position (GRCh38, 1-based): chr12:109,591,277, G>A. VCF-style: chr12-109591277-G-A. GRCh37 (hg19) VCF-style: chr12-110029082-G-A.
Other names: c.805G>A, p.Asp269Asn (NM_001114185.3, NM_001414511.1, NM_001414513.1); c.649G>A, p.Asp217Asn (NM_001301182.2, NM_001414514.1); c.880G>A, p.Asp294Asn (NM_001414512.1); c.223G>A, p.Asp75Asn (NM_001414515.1); short protein forms D294N, D217N, D75N, D269N.
Identifiers: ClinVar variation 2934585 (VCV002934585.3), dbSNP rs373549756, ClinGen allele CA6779385.
Genomic context (GRCh38, chr12:109,591,277, plus strand): 5'-GCCGTTCCTTCTTTTTTTCTCCAGTTCCCAGAGATCGTGGCCCCCCTCCTGACCTCAATA[G>A]ATGCCATCTCCCTGGAGTGTGAGCGCGTGCTGGGAGAGATGGGGGAAGCCCCAGCCCCGG-3'
Protein context (NP_000422.1, residues 259-279): EIVAPLLTSI[Asp269Asn]AISLECERVL

ClinVar aggregate classification (germline): Uncertain significance (1 of 4 stars; one submission).

Conditions:
Porokeratosis 3, disseminated superficial actinic type (POROK3). Also called: POROKERATOSIS, DISSEMINATED SUPERFICIAL ACTINIC, 1; POROKERATOSIS 3, MULTIPLE TYPES; POROKERATOSIS 3, MIBELLI TYPE. Identifiers: MedGen C1867981, MONDO:0008293, OMIM 175900.
Hyperimmunoglobulin D with periodic fever (HIDS). Also called: HYPERIMMUNOGLOBULINEMIA D AND PERIODIC FEVER SYNDROME; Hyperimmunoglobulinemia D; Hyperimmunoglobulinemia D with periodic fever. Identifiers: Orphanet 343, MedGen C0398691, MONDO:0009849, OMIM 260920.
Mevalonic aciduria (MEVA). Identifiers: Orphanet 29, MedGen C1959626, MONDO:0012481, OMIM 610377.

Allele frequency attached by ClinVar (database versions not stated): ExAC 0.00001; gnomAD exomes 0.00001; TOPMed 0.00001; ESP Exome Variant Server 0.00008.

Submission:

Labcorp Genetics (formerly Invitae), Labcorp
Classification: Uncertain significance for Mevalonic aciduria; Hyperimmunoglobulin D with periodic fever; Porokeratosis 3, disseminated superficial actinic type. Last evaluated: 2023-12-19. Review status: criteria provided, single submitter. Criteria: Invitae Variant Classification Sherloc (09022015). Collection method: clinical testing. Allele origin: germline.
Comment: This sequence change replaces aspartic acid, which is acidic and polar, with asparagine, which is neutral and polar, at codon 269 of the MVK protein (p.Asp269Asn). This variant is present in population databases (rs373549756, gnomAD 0.007%). This variant has not been reported in the literature in individuals affected with MVK-related conditions. Advanced modeling of protein sequence and biophysical properties (such as structural, functional, and spatial information, amino acid conservation, physicochemical variation, residue mobility, and thermodynamic stability) performed at Invitae indicates that this missense variant is not expected to disrupt MVK protein function with a negative predictive value of 80%. In summary, the available evidence is currently insufficient to determine the role of this variant in disease. Therefore, it has been classified as a Variant of Uncertain Significance.